The following is an entry in ClinVar:

ClinVar aggregate classification (germline): Uncertain significance (1 of 4 stars; one submission).

Submission:

Ambry Genetics
Classification: Uncertain significance. Last evaluated: 2024-10-17. Review status: criteria provided, single submitter. Criteria: Ambry Variant Classification Scheme 2023. Collection method: clinical testing. Allele origin: germline.
Comment: The p.A357T variant (also known as c.1069G>A), located in coding exon 10 of the SRP72 gene, results from a G to A substitution at nucleotide position 1069. The alanine at codon 357 is replaced by threonine, an amino acid with similar properties. This amino acid position is conserved. In addition, this alteration is predicted to be deleterious by in silico analysis. Based on the available evidence, the clinical significance of this variant remains unclear.

NM_006947.4(SRP72):c.1069G>A (p.Ala357Thr)

Gene: SRP72 (signal recognition particle 72; plus strand). Cytogenetic location: 4q12.
Variant type: single nucleotide variant.
Coding change: c.1069G>A on transcript NM_006947.4 (MANE Select); coding-DNA position 1069, G replaced by A.
Protein change: p.Ala357Thr; replaces alanine 357 with threonine.
Molecular consequence: missense variant. On other transcripts: non-coding transcript variant (1).
Genome position (GRCh38, 1-based): chr4:56,484,847, G>A. VCF-style: chr4-56484847-G-A. GRCh37 (hg19) VCF-style: chr4-57351013-G-A.
Other names: c.886G>A, p.Ala296Thr (NM_001267722.2); short protein forms A296T, A357T.
Identifiers: ClinVar variation 3449389 (VCV003449389.1).
Genomic context (GRCh38, chr4:56,484,847, plus strand): 5'-CATCTCTTACCTGTGTTAATCCAAGCTGCCCAGCTCTGCCGTGAAAAGCAGCACACAAAA[G>A]CAATAGAGCTGCTTCAGGTAAAATAATTACTTGAATGAGGTGTCAGACATTTGCAGCTTT-3'
Protein context (NP_008878.3, residues 347-367): QLCREKQHTK[Ala357Thr]IELLQEFSDQ